The following is an entry in ClinVar:

ClinVar aggregate classification (germline): Uncertain significance. Review status: criteria provided, multiple submitters, no conflicts (2 of 4 stars). 2 submissions from 2 submitters: Uncertain significance (2). Last evaluated 2024-11-02.

Conditions:
Infantile neuroaxonal dystrophy (NBIA2A). Also called: NEURODEGENERATION WITH BRAIN IRON ACCUMULATION 2A; SEITELBERGER DISEASE; Infantile neuroaxonal dystrophy 1. Identifiers: Orphanet 35069, MedGen C0270724, MONDO:0024457, OMIM 256600.

Allele frequency attached by ClinVar (database versions not stated): ExAC 0.00003; gnomAD 0.00003; gnomAD exomes 0.00003; TOPMed 0.00004.
gnomAD v4.1: 54 of 1,613,708 alleles (0.0033%); highest among the groups gnomAD compares: Middle Eastern, 0.016%; no homozygotes.

Submissions (2):

Mayo Clinic Laboratories, Mayo Clinic
Classification: Uncertain significance. Last evaluated: 2024-11-02. Review status: criteria provided, single submitter. Criteria: ACMG Guidelines, 2015. Collection method: clinical testing. Allele origin: germline. Observed: 1 variant allele.
Comment: PP3, PM2_supporting

Labcorp Genetics (formerly Invitae), Labcorp
Classification: Uncertain significance for Infantile neuroaxonal dystrophy. Last evaluated: 2022-05-01. Review status: criteria provided, single submitter. Criteria: Invitae Variant Classification Sherloc (09022015). Collection method: clinical testing. Allele origin: germline.
Comment: This sequence change replaces arginine, which is basic and polar, with histidine, which is basic and polar, at codon 543 of the PLA2G6 protein (p.Arg543His). This variant is present in population databases (rs763937995, gnomAD 0.01%). This variant has not been reported in the literature in individuals affected with PLA2G6-related conditions. Advanced modeling of protein sequence and biophysical properties (such as structural, functional, and spatial information, amino acid conservation, physicochemical variation, residue mobility, and thermodynamic stability) performed at Invitae indicates that this missense variant is expected to disrupt PLA2G6 protein function. In summary, the available evidence is currently insufficient to determine the role of this variant in disease. Therefore, it has been classified as a Variant of Uncertain Significance.

Literature cited by the submitters: PubMed 35741772 (cited by Mayo Clinic Laboratories, Mayo Clinic).

NM_003560.4(PLA2G6):c.1628G>A (p.Arg543His)

Gene: PLA2G6 (phospholipase A2 group VI; minus strand). Cytogenetic location: 22q13.1.
Variant type: single nucleotide variant.
Coding change: c.1628G>A on transcript NM_003560.4 (MANE Select); coding-DNA position 1628, G replaced by A.
Protein change: p.Arg543His; replaces arginine 543 with histidine.
Molecular consequence: missense variant.
Genome position (GRCh38, 1-based): chr22:38,120,873, C>T on the plus strand (G>A on the coding strand, the complement: PLA2G6 is on the minus strand). VCF-style: chr22-38120873-C-T. GRCh37 (hg19) VCF-style: chr22-38516880-C-T.
Other names: p.Arg543His; c.1466G>A, p.Arg489His (NM_001004426.3, NM_001199562.3, NM_001349865.2 and 1 more transcripts); c.1628G>A, p.Arg543His (NM_001349864.2); c.1094G>A, p.Arg365His (NM_001349867.2); c.950G>A, p.Arg317His (NM_001349868.2); c.932G>A, p.Arg311His (NM_001349869.2); short protein forms R543H, R311H, R317H, R365H, R489H.
Identifiers: ClinVar variation 2047894 (VCV002047894.3), dbSNP rs763937995, ClinGen allele CA10230786.